The following is an entry in ClinVar:

ClinVar aggregate classification (germline): Benign/Likely benign. Review status: criteria provided, multiple submitters, no conflicts (2 of 4 stars). 3 submissions from 3 submitters: Benign (2); Likely benign (1). Last evaluated 2026-06-01.

Allele frequency attached by ClinVar (database versions not stated): gnomAD 0.00005; TOPMed 0.00011; 1000 Genomes Project 30x 0.00016; ExAC 0.00023; gnomAD exomes 0.00026.
gnomAD v4.1: 99 of 1,608,688 alleles (0.0062%); highest among the groups gnomAD compares: Admixed American, 0.13%; no homozygotes.

Submissions (3):

CeGaT Center for Human Genetics Tuebingen
Classification: Likely benign. Last evaluated: 2026-06-01. Review status: criteria provided, single submitter. Criteria: CeGaT Center For Human Genetics Tuebingen Variant Classification Criteria Version 2. Collection method: clinical testing. Allele origin: germline. Affected: yes. Observed: 1 variant allele.
Comment: TGM6: BP4, BP7

Labcorp Genetics (formerly Invitae), Labcorp
Classification: Benign. Last evaluated: 2026-01-19. Review status: criteria provided, single submitter. Criteria: Invitae Variant Classification Sherloc (09022015). Collection method: clinical testing. Allele origin: germline.

Athena Diagnostics
Classification: Benign. Last evaluated: 2024-10-11. Review status: criteria provided, single submitter. Criteria: Athena Diagnostics Criteria. Collection method: clinical testing. Allele origin: unknown.

NM_198994.3(TGM6):c.1596C>T (p.Ser532=)

Gene: TGM6 (transglutaminase 6; plus strand). Cytogenetic location: 20p13.
Variant type: single nucleotide variant.
Coding change: c.1596C>T on transcript NM_198994.3 (MANE Select); coding-DNA position 1596, C replaced by T.
Protein change: p.Ser532=; no amino-acid change (serine 532 retained).
Molecular consequence: synonymous variant.
Genome position (GRCh38, 1-based): chr20:2,417,491, C>T. VCF-style: chr20-2417491-C-T. GRCh37 (hg19) VCF-style: chr20-2398137-C-T.
Other names: c.1596C>T, p.Ser532= (NM_001254734.2).
Identifiers: ClinVar variation 448670 (VCV000448670.9), dbSNP rs762016624, ClinGen allele CA9732141.